The following is an entry in ClinVar:

NM_021971.4(GMPPB):c.1012C>T (p.Leu338Phe)

Gene: GMPPB (GDP-mannose pyrophosphorylase B; minus strand). Cytogenetic location: 3p21.31.
Variant type: single nucleotide variant.
Coding change: c.1012C>T on transcript NM_021971.4 (MANE Select); coding-DNA position 1012, C replaced by T.
Protein change: p.Leu338Phe; replaces leucine 338 with phenylalanine.
Molecular consequence: missense variant.
Genome position (GRCh38, 1-based): chr3:49,721,823, G>A on the plus strand (C>T on the coding strand, the complement: GMPPB is on the minus strand). VCF-style: chr3-49721823-G-A. GRCh37 (hg19) VCF-style: chr3-49759256-G-A.
Other names: c.1093C>T, p.Leu365Phe (NM_013334.4); short protein forms L338F, L365F.
Identifiers: ClinVar variation 4531901 (VCV004531901.1).

ClinVar aggregate classification (germline): Uncertain significance (1 of 4 stars; one submission).

Conditions:
Muscular dystrophy-dystroglycanopathy (congenital with brain and eye anomalies), type A14. Also called: Congenital muscular dystrophy-dystroglycanopathy with brain and eye anomalies, type A14; Congenital Muscular Dystrophy-Dystroglycanopathy with Brain and Eye Anomalies Type A 14; WALKER-WARBURG SYNDROME OR MUSCLE-EYE-BRAIN DISEASE, GMPPB-RELATED; Muscular dystrophy-dystroglycanopathy (congenital with brain and eye anomalies), type a, 14. Identifiers: Orphanet 588, MedGen C3809216, MONDO:0014140, OMIM 615350.

Submission:

Victorian Clinical Genetics Services, Murdoch Childrens Research Institute
Classification: Uncertain significance for Muscular dystrophy-dystroglycanopathy (congenital with brain and eye anomalies), type A14. Last evaluated: 2025-08-21. Review status: criteria provided, single submitter. Criteria: ACMG Guidelines, 2015. Collection method: clinical testing. Allele origin: germline. Affected: yes.
Comment: This variant is classified as VUS-3A. Evidence in support of pathogenic classification: Variant is present in gnomAD <0.01 for a recessive condition (v4: 9 heterozygote(s), 0 homozygote(s)); Strong phenotype match for this individual; Heterozygous variant detected in trans with a second PATHOGENIC heterozygous variant (NM_021971.4(GMPPB):c.458C>T; p.(Thr153Ile)) in a recessive disease. Additional information: Variant is predicted to result in a missense amino acid change from Leu to Phe; This variant is heterozygous; This gene is associated with autosomal recessive disease; Alternative amino acid change(s) at the same position are present in gnomAD (highest allele count: v4: 1 heterozygote(s), 0 homozygote(s)); This variant has no previous evidence of pathogenicity; No published evidence of segregation with disease has been identified for this variant; No published functional evidence has been identified for this variant; No comparable missense variants have previous evidence for pathogenicity; Variant is located in the annotated GMPPB C-terminal domain (DECIPHER); Missense variant with inconclusive in silico prediction and uninformative conservation; Loss of function is a known mechanism of disease in this gene and is associated with muscular dystrophy-dystroglycanopathy (congenital with brain and eye anomalies), type A, 14 (MIM#615350), muscular dystrophy-dystroglycanopathy (congenital with impaired intellectual development), type B, 14 (MIM#615351), and muscular dystrophy-dystroglycanopathy (limb-girdle), type C, 14 (MIM#615352); Variants in this gene are known to have variable expressivity (OMIM, PMID: 30257713).

Literature cited by the submitters: PubMed 30257713.